The following is an entry in ClinVar:

NM_015909.4(NBAS):c.5903T>C (p.Leu1968Pro)

Gene: NBAS (NBAS subunit of NRZ tethering complex; minus strand). Cytogenetic location: 2p24.3.
Variant type: single nucleotide variant.
Coding change: c.5903T>C on transcript NM_015909.4 (MANE Select); coding-DNA position 5903, T replaced by C.
Protein change: p.Leu1968Pro; replaces leucine 1968 with proline.
Molecular consequence: missense variant. On other transcripts: non-coding transcript variant (1).
Genome position (GRCh38, 1-based): chr2:15,238,508, A>G on the plus strand (T>C on the coding strand, the complement: NBAS is on the minus strand). VCF-style: chr2-15238508-A-G. GRCh37 (hg19) VCF-style: chr2-15378632-A-G.
Other names: short protein forms L1968P.
Identifiers: ClinVar variation 1966286 (VCV001966286.5), dbSNP rs1667708726, ClinGen allele CA345890826.

ClinVar aggregate classification (germline): Uncertain significance (1 of 4 stars; one submission).

Submission:

Labcorp Genetics (formerly Invitae), Labcorp
Classification: Uncertain significance. Last evaluated: 2022-02-18. Review status: criteria provided, single submitter. Criteria: Invitae Variant Classification Sherloc (09022015). Collection method: clinical testing. Allele origin: germline.
Comment: In summary, the available evidence is currently insufficient to determine the role of this variant in disease. Therefore, it has been classified as a Variant of Uncertain Significance. Algorithms developed to predict the effect of missense changes on protein structure and function (SIFT, PolyPhen-2, Align-GVGD) all suggest that this variant is likely to be disruptive. This variant has not been reported in the literature in individuals affected with NBAS-related conditions. This variant is not present in population databases (gnomAD no frequency). This sequence change replaces leucine, which is neutral and non-polar, with proline, which is neutral and non-polar, at codon 1968 of the NBAS protein (p.Leu1968Pro).